The following is an entry in ClinVar:

NM_015425.6(POLR1A):c.3272G>A (p.Ser1091Asn)

Gene: POLR1A (RNA polymerase I subunit A; minus strand). Cytogenetic location: 2p11.2.
Variant type: single nucleotide variant.
Coding change: c.3272G>A on transcript NM_015425.6 (MANE Select); coding-DNA position 3272, G replaced by A.
Protein change: p.Ser1091Asn; replaces serine 1091 with asparagine.
Molecular consequence: missense variant.
Genome position (GRCh38, 1-based): chr2:86,043,059, C>T on the plus strand (G>A on the coding strand, the complement: POLR1A is on the minus strand). VCF-style: chr2-86043059-C-T. GRCh37 (hg19) VCF-style: chr2-86270182-C-T.
Other names: short protein forms S1091N.
Identifiers: ClinVar variation 4696377 (VCV004696377.1).

ClinVar aggregate classification (germline): Uncertain significance (1 of 4 stars; one submission).

gnomAD v4.1: 34 of 1,614,068 alleles (0.0021%); highest among the groups gnomAD compares: South Asian, 0.0055%; no homozygotes.

Submission:

Labcorp Genetics (formerly Invitae), Labcorp
Classification: Uncertain significance. Last evaluated: 2025-12-11. Review status: criteria provided, single submitter. Criteria: Invitae Variant Classification Sherloc (09022015). Collection method: clinical testing. Allele origin: germline.
Comment: This sequence change replaces serine, which is neutral and polar, with asparagine, which is neutral and polar, at codon 1091 of the POLR1A protein (p.Ser1091Asn). This variant is present in population databases (rs751394938, gnomAD 0.008%). This variant has not been reported in the literature in individuals affected with POLR1A-related conditions. Invitae Evidence Modeling of protein sequence and biophysical properties (such as structural, functional, and spatial information, amino acid conservation, physicochemical variation, residue mobility, and thermodynamic stability) indicates that this missense variant is not expected to disrupt POLR1A protein function with a negative predictive value of 80%. In summary, the available evidence is currently insufficient to determine the role of this variant in disease. Therefore, it has been classified as a Variant of Uncertain Significance.